The following is an entry in ClinVar:

ClinVar aggregate classification (germline): Conflicting classifications of pathogenicity. Review status: criteria provided, conflicting classifications (1 of 4 stars). 12 submissions from 12 submitters: Uncertain significance (9); Benign (1); Likely benign (1). 1 of the submissions does not count toward it. Last evaluated 2026-01-08.

Conditions:
Hereditary cancer-predisposing syndrome. Also called: Tumor predisposition; Hereditary Cancer Syndrome; Hereditary neoplastic syndrome; Neoplastic Syndromes, Hereditary. Identifiers: Orphanet 140162, MedGen C0027672, MeSH D009386, MONDO:0015356.
Peutz-Jeghers syndrome (PJS). Also called: POLYPOSIS, HAMARTOMATOUS INTESTINAL; POLYPS-AND-SPOTS SYNDROME; Peutz-Jeghers polyposis; Periorificial lentiginosis syndrome. Identifiers: Orphanet 2869, MedGen C0031269, MeSH D010580, MONDO:0008280, OMIM 175200.

Allele frequency attached by ClinVar (database versions not stated): TOPMed 0.00001; ExAC 0.00003; gnomAD exomes 0.00003 and 0.00006; gnomAD 0.00004; 1000 Genomes Project 0.00020; 1000 Genomes Project 30x 0.00031.

Submissions (12):

Labcorp Genetics (formerly Invitae), Labcorp
Classification: Benign for Peutz-Jeghers syndrome. Last evaluated: 2026-01-08. Review status: criteria provided, single submitter. Criteria: Invitae Variant Classification Sherloc (09022015). Collection method: clinical testing. Allele origin: germline.

All of Us Research Program, National Institutes of Health
Classification: Uncertain significance for Peutz-Jeghers syndrome. Last evaluated: 2024-06-09. Review status: criteria provided, single submitter. Criteria: ACMG Guidelines, 2015. Collection method: clinical testing. Allele origin: germline. Inheritance: Autosomal dominant inheritance. Observed: 7 variant alleles, 7 heterozygotes.
Comment: This missense variant replaces arginine with tryptophan at codon 211 of the STK11 protein. Computational prediction suggests that this variant may not impact protein structure and function (internally defined REVEL score threshold <= 0.5, PMID: 27666373). To our knowledge, functional studies have not been reported for this variant. This variant has not been reported in individuals affected with STK11-related disorders in the literature. This variant has been identified in 8/254382 chromosomes in the general population by the Genome Aggregation Database (gnomAD). The available evidence is insufficient to determine the role of this variant in disease conclusively. Therefore, this variant is classified as a Variant of Uncertain Significance.

This study involves interpretation of variants in research participants for the purpose of population health screening. Participant phenotype was not available at the time of variant classification. Additional details can be found in publication PMID: 35346344, PMCID: PMC8962531

Color Diagnostics, LLC DBA Color Health
Classification: Uncertain significance for Hereditary cancer-predisposing syndrome. Last evaluated: 2024-05-24. Review status: criteria provided, single submitter. Criteria: ACMG Guidelines, 2015. Collection method: clinical testing. Allele origin: germline.
Comment: This missense variant replaces arginine with tryptophan at codon 211 of the STK11 protein. Computational prediction suggests that this variant may not impact protein structure and function. To our knowledge, functional studies have not been reported for this variant. This variant has been reported in individuals affected with pancreatic ductal adenocarcinoma, gastric cancer, and ovarian cancer (PMID: 34326862, 35171259). This variant has been identified in 8/254382 chromosomes in the general population by the Genome Aggregation Database (gnomAD). The available evidence is insufficient to determine the role of this variant in disease conclusively. Therefore, this variant is classified as a Variant of Uncertain Significance.

Quest Diagnostics Nichols Institute San Juan Capistrano
Classification: Uncertain significance. Last evaluated: 2023-11-15. Review status: criteria provided, single submitter. Criteria: Quest Diagnostics criteria. Collection method: clinical testing. Allele origin: unknown.
Comment: The STK11 c.631C>T (p.Arg211Trp) variant has been reported in the published literature in individuals with ovarian cancer (PMID: 34326862 (2021)), pancreatic cancer, and gastric cancer (PMID: 35171259 (2022)). The frequency of this variant in the general population, 0.000053 (6/114018 chromosomes in European (Non-Finnish) subpopulation (Genome Aggregation Database)), is higher than would generally be expected for pathogenic variants in this gene. Analysis of this variant using bioinformatics tools for the prediction of the effect of amino acid changes on protein structure and function yielded predictions that this variant is damaging. Based on the available information, we are unable to determine the clinical significance of this variant.

Department of Pathology and Laboratory Medicine, Sinai Health System
Classification: Uncertain significance for Peutz-Jeghers syndrome. Last evaluated: 2023-09-28. Review status: criteria provided, single submitter. Criteria: ACMG Guidelines, 2015. Collection method: clinical testing. Allele origin: germline. Affected: yes.

Women's Health and Genetics/Laboratory Corporation of America, LabCorp
Classification: Uncertain significance. Last evaluated: 2023-09-21. Review status: criteria provided, single submitter. Criteria: LabCorp Variant Classification Summary - May 2015. Collection method: clinical testing. Allele origin: germline.
Comment: Variant summary: STK11 c.631C>T (p.Arg211Trp) results in a non-conservative amino acid change located in the Protein kinase domain (IPR000719) of the encoded protein sequence. Three of five in-silico tools predict a damaging effect of the variant on protein function. The variant allele was found at a frequency of 3.1e-05 in 223032 control chromosomes (gnomAD). The available data on variant occurrences in the general population are insufficient to allow any conclusion about variant significance. c.631C>T has been reported in the literature in individuals affected with ovarian cancer and gastric cancer without strong evidence of causality (Bhai_2021, Yin_2021). These reports do not provide unequivocal conclusions about association of the variant with Peutz-Jeghers Syndrome. To our knowledge, no experimental evidence demonstrating an impact on protein function has been reported. The following publications have been ascertained in the context of this evaluation (PMID: 35171259, 34326862). Eight submitters have cited clinical-significance assessments for this variant to ClinVar after 2014, and classified it as uncertain significance (n=7) or likely benign (n=1). Based on the evidence outlined above, the variant was classified as uncertain significance.

Myriad Genetics, Inc.
Classification: Uncertain significance for Peutz-Jeghers syndrome. Last evaluated: 2023-04-12. Review status: criteria provided, single submitter. Criteria: Myriad Autosomal Dominant, Autosomal Recessive and X-Linked Classification Criteria (2023). Collection method: clinical testing. Allele origin: unknown.
Comment: This variant is classified as a variant of uncertain significance as there is insufficient evidence to determine its impact on protein function and/or cancer risk.

GeneDx
Classification: Uncertain significance. Last evaluated: 2023-04-03. Review status: criteria provided, single submitter. Criteria: GeneDx Variant Classification Process June 2021. Collection method: clinical testing. Allele origin: germline. Affected: yes.
Comment: In silico analysis supports that this missense variant does not alter protein structure/function; Has not been previously published as pathogenic or benign to our knowledge; This variant is associated with the following publications: (PMID: 23675308, 31712642, 15863673)

MGZ Medical Genetics Center
Classification: Uncertain significance for Peutz-Jeghers syndrome. Last evaluated: 2022-06-27. Review status: criteria provided, single submitter. Criteria: ACMG Guidelines, 2015. Collection method: clinical testing. Allele origin: germline. Affected: yes. Observed: 1 variant allele.
Comment: ACMG criteria applied: PM2_SUP, BP4

Ambry Genetics
Classification: Likely benign for Hereditary cancer-predisposing syndrome. Last evaluated: 2022-05-11. Review status: criteria provided, single submitter. Criteria: Ambry Variant Classification Scheme 2023. Collection method: clinical testing. Allele origin: germline.

Genome-Nilou Lab
Classification: Uncertain significance for Peutz-Jeghers syndrome. Last evaluated: 2021-07-15. Review status: criteria provided, single submitter. Criteria: ACMG Guidelines, 2015. Collection method: clinical testing. Allele origin: germline. Affected: no.

Counsyl
Classification: Uncertain significance for Peutz-Jeghers syndrome. Last evaluated: 2015-12-04. Review status: no assertion criteria provided. Collection method: clinical testing. Allele origin: unknown. Not counted in ClinVar's aggregate classification.

Literature cited by the submitters: PubMed 34326862 (cited by 3 submitters); PubMed 35171259 (cited by 3 submitters).

NM_000455.5(STK11):c.631C>T (p.Arg211Trp)

Gene: STK11 (serine/threonine kinase 11; plus strand). Cytogenetic location: 19p13.3.
Variant type: single nucleotide variant.
Coding change: c.631C>T on transcript NM_000455.5 (MANE Select); coding-DNA position 631, C replaced by T.
Protein change: p.Arg211Trp; replaces arginine 211 with tryptophan.
Molecular consequence: missense variant.
Genome position (GRCh38, 1-based): chr19:1,220,614, C>T. VCF-style: chr19-1220614-C-T. GRCh37 (hg19) VCF-style: chr19-1220613-C-T.
Other names: short protein forms R211W.
Identifiers: ClinVar variation 184313 (VCV000184313.35), dbSNP rs185087320, ClinGen allele CA023186.